The following is an entry in ClinVar:

ClinVar aggregate classification (germline): Uncertain significance (1 of 4 stars; one submission).

Allele frequency attached by ClinVar (database versions not stated): gnomAD 0.00001; gnomAD exomes 0.00003; TOPMed 0.00003; ExAC 0.00006.
gnomAD v4.1: 18 of 1,613,676 alleles (0.0011%); highest among the groups gnomAD compares: Admixed American, 0.03%; no homozygotes.

Submission:

Labcorp Genetics (formerly Invitae), Labcorp
Classification: Uncertain significance. Last evaluated: 2023-06-29. Review status: criteria provided, single submitter. Criteria: Invitae Variant Classification Sherloc (09022015). Collection method: clinical testing. Allele origin: germline.
Comment: In summary, the available evidence is currently insufficient to determine the role of this variant in disease. Therefore, it has been classified as a Variant of Uncertain Significance. Advanced modeling of protein sequence and biophysical properties (such as structural, functional, and spatial information, amino acid conservation, physicochemical variation, residue mobility, and thermodynamic stability) performed at Invitae indicates that this missense variant is expected to disrupt STN1 protein function. ClinVar contains an entry for this variant (Variation ID: 2068368). This variant has not been reported in the literature in individuals affected with STN1-related conditions. This variant is present in population databases (rs762750326, gnomAD 0.05%). This sequence change replaces isoleucine, which is neutral and non-polar, with threonine, which is neutral and polar, at codon 327 of the STN1 protein (p.Ile327Thr).

NM_024928.5(STN1):c.980T>C (p.Ile327Thr)

Gene: STN1 (STN1 subunit of CST complex; minus strand). Cytogenetic location: 10q24.33.
Variant type: single nucleotide variant.
Coding change: c.980T>C on transcript NM_024928.5 (MANE Select); coding-DNA position 980, T replaced by C.
Protein change: p.Ile327Thr; replaces isoleucine 327 with threonine.
Molecular consequence: missense variant.
Genome position (GRCh38, 1-based): chr10:103,882,811, A>G on the plus strand (T>C on the coding strand, the complement: STN1 is on the minus strand). VCF-style: chr10-103882811-A-G. GRCh37 (hg19) VCF-style: chr10-105642569-A-G.
Other names: short protein forms I327T.
Identifiers: ClinVar variation 2068368 (VCV002068368.2), dbSNP rs762750326, ClinGen allele CA5676431.